The following is an entry in ClinVar:

ClinVar aggregate classification (germline): Likely benign (1 of 4 stars; one submission).

Submission:

CeGaT Center for Human Genetics Tuebingen
Classification: Likely benign. Last evaluated: 2022-06-01. Review status: criteria provided, single submitter. Criteria: CeGaT Center For Human Genetics Tuebingen Variant Classification Criteria Version 2. Collection method: clinical testing. Allele origin: germline. Affected: yes. Observed: 1 variant allele.
Comment: DTX2: PM2:Supporting, BP4, BP7

NM_001102594.3(DTX2):c.1572C>G (p.Pro524=)

Gene: DTX2 (deltex E3 ubiquitin ligase 2; plus strand). Cytogenetic location: 7q11.23.
Variant type: single nucleotide variant.
Coding change: c.1572C>G on transcript NM_001102594.3 (MANE Select); coding-DNA position 1572, C replaced by G.
Protein change: p.Pro524=; no amino-acid change (proline 524 retained).
Molecular consequence: synonymous variant.
Genome position (GRCh38, 1-based): chr7:76,504,376, C>G. VCF-style: chr7-76504376-C-G. GRCh37 (hg19) VCF-style: chr7-76133693-C-G.
Other names: c.1572C>G, p.Pro524= (NM_001102595.3, NM_020892.4); c.1431C>G, p.Pro477= (NM_001102596.2).
Identifiers: ClinVar variation 2657627 (VCV002657627.24), dbSNP rs1453368261, ClinGen allele CA456095909.